The following is an entry in ClinVar:

ClinVar aggregate classification (germline): Uncertain significance (1 of 4 stars; one submission).

Conditions:
Ethylmalonic encephalopathy (EE). Also called: Syndrome of encephalopathy, petechiae, and ethylmalonic aciduria; EPEMA syndrome; Encephalopathy, petechiae, and ethylmalonic aciduria. Identifiers: Orphanet 51188, MedGen C1865349, MONDO:0011229, OMIM 602473. Disease mechanism: loss of function.

Submission:

Labcorp Genetics (formerly Invitae), Labcorp
Classification: Uncertain significance for Ethylmalonic encephalopathy. Last evaluated: 2022-11-01. Review status: criteria provided, single submitter. Criteria: Invitae Variant Classification Sherloc (09022015). Collection method: clinical testing. Allele origin: germline.
Comment: This sequence change replaces glutamic acid, which is acidic and polar, with glutamine, which is neutral and polar, at codon 115 of the ETHE1 protein (p.Glu115Gln). This variant is not present in population databases (gnomAD no frequency). This variant has not been reported in the literature in individuals affected with ETHE1-related conditions. Advanced modeling of protein sequence and biophysical properties (such as structural, functional, and spatial information, amino acid conservation, physicochemical variation, residue mobility, and thermodynamic stability) performed at Invitae indicates that this missense variant is not expected to disrupt ETHE1 protein function. In summary, the available evidence is currently insufficient to determine the role of this variant in disease. Therefore, it has been classified as a Variant of Uncertain Significance.

NM_014297.5(ETHE1):c.343G>C (p.Glu115Gln)

Gene: ETHE1 (ETHE1 persulfide dioxygenase; minus strand). Cytogenetic location: 19q13.31.
Variant type: single nucleotide variant.
Coding change: c.343G>C on transcript NM_014297.5 (MANE Select); coding-DNA position 343, G replaced by C.
Protein change: p.Glu115Gln; replaces glutamic acid 115 with glutamine.
Molecular consequence: missense variant. On other transcripts: intron variant (2).
Genome position (GRCh38, 1-based): chr19:43,526,233, C>G on the plus strand (G>C on the coding strand, the complement: ETHE1 is on the minus strand). VCF-style: chr19-43526233-C-G. GRCh37 (hg19) VCF-style: chr19-44030385-C-G.
Other names: c.310G>C, p.Glu104Gln (NM_001320867.2); c.81+864G>C (NM_001320869.2); c.6+282G>C (NM_001320868.2); short protein forms E115Q, E104Q.
Identifiers: ClinVar variation 2015163 (VCV002015163.4), dbSNP rs2513629218, ClinGen allele CA406179021.
Genomic context (GRCh38, chr19:43,526,233, plus strand): 5'-CCTCTTGGGGACCCAGCACCCAACTCACGAAGCGCCCGAAGCGGATGGAGTCTCCATCCT[C>G]AATGTGTAAGTCAGCCTGGGCCCCACTAAGGCGGGAGATGACAGACTGGCAGCCAGGGAG-3'
Protein context (NP_055112.2, residues 105-125): LSGAQADLHI[Glu115Gln]DGDSIRFGRF